The following is an entry in ClinVar:

NM_004453.4(ETFDH):c.1117T>C (p.Ser373Pro)

Gene: ETFDH (electron transfer flavoprotein dehydrogenase; plus strand). Cytogenetic location: 4q32.1.
Variant type: single nucleotide variant.
Coding change: c.1117T>C on transcript NM_004453.4 (MANE Select); coding-DNA position 1117, T replaced by C.
Protein change: p.Ser373Pro; replaces serine 373 with proline.
Molecular consequence: missense variant.
Genome position (GRCh38, 1-based): chr4:158,703,423, T>C. VCF-style: chr4-158703423-T-C. GRCh37 (hg19) VCF-style: chr4-159624575-T-C.
Other names: c.976T>C, p.Ser326Pro (NM_001281737.2); c.934T>C, p.Ser312Pro (NM_001281738.1); short protein forms S312P, S326P, S373P.
Identifiers: ClinVar variation 861278 (VCV000861278.7), dbSNP rs1774518301, ClinGen allele CA358562676.

ClinVar aggregate classification (germline): Uncertain significance (1 of 4 stars; one submission).

Conditions:
Multiple acyl-CoA dehydrogenase deficiency (MADD). Also called: Glutaric acidemia type II; GA 2; Glutaric Acidemia type 2; ETHYLMALONIC-ADIPICACIDURIA; GA II; Glutaric aciduria, type 2. Identifiers: Orphanet 26791, MedGen C0268596, MONDO:0009282, OMIM 231680.

Allele frequency attached by ClinVar (database versions not stated): gnomAD exomes below 0.00001.
gnomAD v4.1: 3 of 1,605,222 alleles (0.00019%); highest among the groups gnomAD compares: Non-Finnish European, 0.00026%; no homozygotes.

Submission:

Labcorp Genetics (formerly Invitae), Labcorp
Classification: Uncertain significance for Multiple acyl-CoA dehydrogenase deficiency. Last evaluated: 2021-08-30. Review status: criteria provided, single submitter. Criteria: Invitae Variant Classification Sherloc (09022015). Collection method: clinical testing. Allele origin: germline.
Comment: This sequence change replaces serine with proline at codon 373 of the ETFDH protein (p.Ser373Pro). The serine residue is highly conserved and there is a moderate physicochemical difference between serine and proline. This variant is not present in population databases (ExAC no frequency). This variant has not been reported in the literature in individuals affected with ETFDH-related conditions. Algorithms developed to predict the effect of missense changes on protein structure and function (SIFT, PolyPhen-2, Align-GVGD) all suggest that this variant is likely to be disruptive. In summary, the available evidence is currently insufficient to determine the role of this variant in disease. Therefore, it has been classified as a Variant of Uncertain Significance.